The following is an entry in ClinVar:

NM_001206927.2(DNAH8):c.5128G>A (p.Val1710Ile)

Gene: DNAH8 (dynein axonemal heavy chain 8; plus strand). Cytogenetic location: 6p21.2.
Variant type: single nucleotide variant.
Coding change: c.5128G>A on transcript NM_001206927.2 (MANE Select); coding-DNA position 5128, G replaced by A.
Protein change: p.Val1710Ile; replaces valine 1710 with isoleucine.
Molecular consequence: missense variant.
Genome position (GRCh38, 1-based): chr6:38,848,730, G>A. VCF-style: chr6-38848730-G-A. GRCh37 (hg19) VCF-style: chr6-38816506-G-A.
Other names: c.4477G>A, p.Val1493Ile (NM_001371.4); short protein forms V1493I, V1710I.
Identifiers: ClinVar variation 659798 (VCV000659798.7), dbSNP rs756038605, ClinGen allele CA3789289.

ClinVar aggregate classification (germline): Uncertain significance. Review status: criteria provided, multiple submitters, no conflicts (2 of 4 stars). 2 submissions from 2 submitters: Uncertain significance (2). Last evaluated 2025-04-10.

Conditions:
Primary ciliary dyskinesia. Also called: Ciliary dyskinesia. Identifiers: Orphanet 244, MedGen C0008780, MONDO:0016575, HP:0012265.

Allele frequency attached by ClinVar (database versions not stated): TOPMed 0.00005; gnomAD exomes 0.00009; gnomAD 0.00004 and 0.00005.
gnomAD v4.1: 133 of 1,609,680 alleles (0.0083%); highest among the groups gnomAD compares: Non-Finnish European, 0.01%; no homozygotes.

Submissions (2):

Ambry Genetics
Classification: Uncertain significance. Last evaluated: 2025-04-10. Review status: criteria provided, single submitter. Criteria: Ambry Variant Classification Scheme 2023. Collection method: clinical testing. Allele origin: germline.

Labcorp Genetics (formerly Invitae), Labcorp
Classification: Uncertain significance for Primary ciliary dyskinesia. Last evaluated: 2021-08-31. Review status: criteria provided, single submitter. Criteria: Invitae Variant Classification Sherloc (09022015). Collection method: clinical testing. Allele origin: germline.
Comment: This sequence change replaces valine with isoleucine at codon 1710 of the DNAH8 protein (p.Val1710Ile). The valine residue is moderately conserved and there is a small physicochemical difference between valine and isoleucine. The frequency data for this variant in the population databases is considered unreliable, as metrics indicate poor data quality at this position in the ExAC database. This variant has not been reported in the literature in individuals affected with DNAH8-related conditions. Algorithms developed to predict the effect of missense changes on protein structure and function output the following: SIFT: "Tolerated"; PolyPhen-2: "Not Available"; Align-GVGD: "Class C0". The isoleucine amino acid residue is found in multiple mammalian species, which suggests that this missense change does not adversely affect protein function. In summary, the available evidence is currently insufficient to determine the role of this variant in disease. Therefore, it has been classified as a Variant of Uncertain Significance.